The following is an entry in ClinVar:

NM_172364.5(CACNA2D4):c.2793-3C>T

Gene: CACNA2D4 (calcium voltage-gated channel auxiliary subunit alpha2delta 4; minus strand). Cytogenetic location: 12p13.33.
Variant type: single nucleotide variant.
Coding change: c.2793-3C>T on transcript NM_172364.5 (MANE Select); 3 bases into the intron before coding-DNA position 2793, C replaced by T.
Molecular consequence: intron variant.
Genome position (GRCh38, 1-based): chr12:1,801,121, G>A on the plus strand (C>T on the coding strand, the complement: CACNA2D4 is on the minus strand). VCF-style: chr12-1801121-G-A. GRCh37 (hg19) VCF-style: chr12-1910287-G-A.
Identifiers: ClinVar variation 854150 (VCV000854150.8), dbSNP rs757444091, ClinGen allele CA6386188.

ClinVar aggregate classification (germline): Uncertain significance. Review status: criteria provided, multiple submitters, no conflicts (2 of 4 stars). 2 submissions from 2 submitters: Uncertain significance (2). Last evaluated 2023-12-05.

Allele frequency attached by ClinVar (database versions not stated): gnomAD exomes 0.00003 and 0.00005; ExAC 0.00004; gnomAD 0.00005 and 0.00006; TOPMed 0.00005.
gnomAD v4.1: 57 of 1,613,646 alleles (0.0035%); highest among the groups gnomAD compares: South Asian, 0.0022%; 1 homozygote.

Submissions (2):

Labcorp Genetics (formerly Invitae), Labcorp
Classification: Uncertain significance. Last evaluated: 2023-12-05. Review status: criteria provided, single submitter. Criteria: Invitae Variant Classification Sherloc (09022015). Collection method: clinical testing. Allele origin: germline.
Comment: This sequence change falls in intron 30 of the CACNA2D4 gene. It does not directly change the encoded amino acid sequence of the CACNA2D4 protein. It affects a nucleotide within the consensus splice site. This variant is present in population databases (rs757444091, gnomAD 0.1%), and has an allele count higher than expected for a pathogenic variant. This variant has not been reported in the literature in individuals affected with CACNA2D4-related conditions. ClinVar contains an entry for this variant (Variation ID: 854150). Variants that disrupt the consensus splice site are a relatively common cause of aberrant splicing (PMID: 17576681, 9536098). Algorithms developed to predict the effect of sequence changes on RNA splicing suggest that this variant may disrupt the consensus splice site. In summary, the available evidence is currently insufficient to determine the role of this variant in disease. Therefore, it has been classified as a Variant of Uncertain Significance.

Blueprint Genetics
Classification: Uncertain significance. Last evaluated: 2020-03-23. Review status: criteria provided, single submitter. Criteria: ACMG Guidelines, 2015. Collection method: clinical testing. Allele origin: germline.

Literature cited by the submitters: PubMed 17576681 (cited by Labcorp Genetics (formerly Invitae), Labcorp); PubMed 9536098 (cited by Labcorp Genetics (formerly Invitae), Labcorp).